The following is an entry in ClinVar:

ClinVar aggregate classification (germline): Uncertain significance (0 of 4 stars; one submission).

Conditions:
LAMA5-related disorder. Also called: LAMA5-Related Disorders; LAMA5-related condition.

Allele frequency attached by ClinVar (database versions not stated): ExAC 0.00001.
gnomAD v4.1: 21 of 1,612,832 alleles (0.0013%); highest among the groups gnomAD compares: South Asian, 0.0066%; 1 homozygote.

Submission:

PreventionGenetics, part of Exact Sciences
Classification: Uncertain significance for LAMA5-related condition. Last evaluated: 2024-02-22. Review status: no assertion criteria provided. Collection method: clinical testing. Allele origin: germline.
Comment: The LAMA5 c.1331C>T variant is predicted to result in the amino acid substitution p.Thr444Met. To our knowledge, this variant has not been reported in the literature. This variant is reported in 0.0033% of alleles in individuals of South Asian descent in gnomAD. At this time, the clinical significance of this variant is uncertain due to the absence of conclusive functional and genetic evidence.

NM_005560.6(LAMA5):c.1331C>T (p.Thr444Met)

Gene: LAMA5 (laminin subunit alpha 5; minus strand). Cytogenetic location: 20q13.33.
Variant type: single nucleotide variant.
Coding change: c.1331C>T on transcript NM_005560.6 (MANE Select); coding-DNA position 1331, C replaced by T.
Protein change: p.Thr444Met; replaces threonine 444 with methionine.
Molecular consequence: missense variant.
Genome position (GRCh38, 1-based): chr20:62,346,167, G>A on the plus strand (C>T on the coding strand, the complement: LAMA5 is on the minus strand). VCF-style: chr20-62346167-G-A. GRCh37 (hg19) VCF-style: chr20-60921223-G-A.
Other names: short protein forms T444M.
Identifiers: ClinVar variation 3031454 (VCV003031454.2), dbSNP rs765412212, ClinGen allele CA9943991.